The following is an entry in ClinVar:

ClinVar aggregate classification (germline): Uncertain significance. Review status: criteria provided, multiple submitters, no conflicts (2 of 4 stars). 3 submissions from 3 submitters: Uncertain significance (3). Last evaluated 2024-02-09.

Conditions:
Inborn genetic diseases. Identifiers: MedGen C0950123, MeSH D030342.
Neuropathy, hereditary sensory and autonomic, type 2A (HSAN2A). Also called: ACROOSTEOLYSIS, GIACCAI TYPE; ACROOSTEOLYSIS, NEUROGENIC; MORVAN DISEASE; NEUROPATHY, CONGENITAL SENSORY; NEUROPATHY, HEREDITARY SENSORY RADICULAR, AUTOSOMAL RECESSIVE; NEUROPATHY, HEREDITARY SENSORY, TYPE IIA. Identifiers: Orphanet 970, MedGen C2752089, MONDO:0024309, OMIM 201300.
Pseudohypoaldosteronism type 2C (PHA2C). Also called: Pseudohypoaldosteronism Type IIC. Identifiers: Orphanet 757, Orphanet 88940, MedGen C1840391, MONDO:0013778, OMIM 614492.

Allele frequency attached by ClinVar (database versions not stated): TOPMed 0.00001.
gnomAD v4.1: 7 of 1,613,794 alleles (0.00043%); highest among the groups gnomAD compares: Non-Finnish European, 0.00059%; no homozygotes.

Submissions (3):

Labcorp Genetics (formerly Invitae), Labcorp
Classification: Uncertain significance for Neuropathy, hereditary sensory and autonomic, type 2A; Pseudohypoaldosteronism type 2C. Last evaluated: 2024-02-09. Review status: criteria provided, single submitter. Criteria: Invitae Variant Classification Sherloc (09022015). Collection method: clinical testing. Allele origin: germline.
Comment: This sequence change replaces serine, which is neutral and polar, with asparagine, which is neutral and polar, at codon 597 of the WNK1 protein (p.Ser597Asn). This variant is not present in population databases (gnomAD no frequency). This variant has not been reported in the literature in individuals affected with WNK1-related conditions. ClinVar contains an entry for this variant (Variation ID: 310739). Advanced modeling of protein sequence and biophysical properties (such as structural, functional, and spatial information, amino acid conservation, physicochemical variation, residue mobility, and thermodynamic stability) performed at Invitae indicates that this missense variant is not expected to disrupt WNK1 protein function with a negative predictive value of 95%. In summary, the available evidence is currently insufficient to determine the role of this variant in disease. Therefore, it has been classified as a Variant of Uncertain Significance.

Ambry Genetics
Classification: Uncertain significance for Inborn genetic diseases. Last evaluated: 2021-03-05. Review status: criteria provided, single submitter. Criteria: Ambry Variant Classification Scheme 2023. Collection method: clinical testing. Allele origin: germline.
Comment: The p.S597N variant (also known as c.1790G>A), located in coding exon 7 of the WNK1 gene, results from a G to A substitution at nucleotide position 1790. The serine at codon 597 is replaced by asparagine, an amino acid with highly similar properties. This amino acid position is not well conserved in available vertebrate species, and asparagine is the reference amino acid in other vertebrate species. In addition, this alteration is predicted to be tolerated by in silico analysis. Since supporting evidence is limited at this time, the clinical significance of this alteration remains unclear.

Illumina Laboratory Services, Illumina
Classification: Uncertain significance for Pseudohypoaldosteronism type 2C. Last evaluated: 2018-01-13. Review status: criteria provided, single submitter. Criteria: ICSL Variant Classification Criteria 13 December 2019. Collection method: clinical testing. Allele origin: germline.

NM_018979.4(WNK1):c.1790G>A (p.Ser597Asn)

Gene: WNK1 (WNK lysine deficient protein kinase 1; plus strand). Cytogenetic location: 12p13.33.
Variant type: single nucleotide variant.
Coding change: c.1790G>A on transcript NM_018979.4 (MANE Select); coding-DNA position 1790, G replaced by A.
Protein change: p.Ser597Asn; replaces serine 597 with asparagine.
Molecular consequence: missense variant.
Genome position (GRCh38, 1-based): chr12:861,182, G>A. VCF-style: chr12-861182-G-A. GRCh37 (hg19) VCF-style: chr12-970348-G-A.
Other names: c.1790G>A, p.Ser597Asn (NM_001184985.2, NM_014823.3, NM_213655.5); short protein forms S597N.
Identifiers: ClinVar variation 310739 (VCV000310739.17), dbSNP rs757732497, ClinGen allele CA10633628.
Genomic context (GRCh38, chr12:861,182, plus strand): 5'-AGGAGCAAGAAAAAAAAAAGCAGGAAGAGAGCAGTCTCAAACAGCAGGTAGAACAATCCA[G>A]TGCTTCCCAGACAGGAATCAAGCAGCTCCCTTCTGCTAGCACCGGCATACCTACTGCTTC-3'
Protein context (NP_061852.3, residues 587-607): SSLKQQVEQS[Ser597Asn]ASQTGIKQLP